The following is an entry in ClinVar:

NM_201525.4(ADGRG1):c.1467C>T (p.Leu489=)

Gene: ADGRG1 (adhesion G protein-coupled receptor G1; plus strand). Cytogenetic location: 16q21.
Variant type: single nucleotide variant.
Coding change: c.1467C>T on transcript NM_201525.4 (MANE Select); coding-DNA position 1467, C replaced by T.
Protein change: p.Leu489=; no amino-acid change (leucine 489 retained).
Molecular consequence: synonymous variant.
Genome position (GRCh38, 1-based): chr16:57,659,593, C>T. VCF-style: chr16-57659593-C-T. GRCh37 (hg19) VCF-style: chr16-57693505-C-T.
Other names: c.1485C>T (NM_005682.6); c.1467C>T, p.Leu489= (NM_001145770.3, NM_001145772.3, NM_001145774.3 and 7 more transcripts); c.1485C>T, p.Leu495= (NM_001145771.3, NM_001370428.1, NM_001370429.1 and 4 more transcripts); c.1482C>T, p.Leu494= (NM_001145773.3, NM_001370433.1, NM_001370434.1); c.975C>T, p.Leu325= (NM_001290142.2); c.960C>T, p.Leu320= (NM_001290143.2); c.942C>T, p.Leu314= (NM_001290144.2, NM_001370451.1, NM_001370453.1 and 1 more transcripts); c.1464C>T, p.Leu488= (NM_001370441.1); and 1 more.
Identifiers: ClinVar variation 1082030 (VCV001082030.12), dbSNP rs1200876191, ClinGen allele CA495791570.
Genomic context (GRCh38, chr16:57,659,593, plus strand): 5'-CCGAGCCAGTGCCATCTTCCTGCACTTCTCCCTGCTCACCTGCCTTTCCTGGATGGGCCT[C>T]GAGGGGTACAACCTCTACCGACTCGTGGTGGAGGTCTTTGGCACCTATGTCCCTGGCTAC-3'
Protein context (NP_958933.1, residues 479-499): SLLTCLSWMG[Leu489=]EGYNLYRLVV

ClinVar aggregate classification (germline): Likely benign. Review status: criteria provided, single submitter (1 of 4 stars). 2 submissions from 2 submitters: Likely benign (1). 1 of the submissions does not count toward it. Last evaluated 2023-10-12.

Conditions:
ADGRG1-related disorder. Also called: ADGRG1-related condition.

Allele frequency attached by ClinVar (database versions not stated): gnomAD exomes below 0.00001.
gnomAD v4.1: 8 of 1,613,970 alleles (0.0005%); highest among the groups gnomAD compares: Admixed American, 0.0033%; no homozygotes.

Submissions (2):

Labcorp Genetics (formerly Invitae), Labcorp
Classification: Likely benign. Last evaluated: 2023-10-12. Review status: criteria provided, single submitter. Criteria: Invitae Variant Classification Sherloc (09022015). Collection method: clinical testing. Allele origin: germline.

PreventionGenetics, part of Exact Sciences
Classification: Likely benign for ADGRG1-related condition. Last evaluated: 2019-07-01. Review status: no assertion criteria provided. Collection method: clinical testing. Allele origin: germline. Not counted in ClinVar's aggregate classification.
Comment: This variant is classified as likely benign based on ACMG/AMP sequence variant interpretation guidelines (Richards et al. 2015 PMID: 25741868, with internal and published modifications).